The following is an entry in ClinVar:

ClinVar aggregate classification (germline): Uncertain significance (1 of 4 stars; one submission).

gnomAD v4.1: 1 of 1,613,700 alleles (0.000062%); highest among the groups gnomAD compares: Non-Finnish European, 0.000085%; no homozygotes.

Submission:

GeneDx
Classification: Uncertain significance. Last evaluated: 2025-05-16. Review status: criteria provided, single submitter. Criteria: GeneDx Variant Classification Process June 2021. Collection method: clinical testing. Allele origin: germline. Affected: yes.
Comment: Not observed at significant frequency in large population cohorts (gnomAD); In silico analysis supports that this missense variant has a deleterious effect on protein structure/function; Has not been previously published as pathogenic or benign to our knowledge

NM_001005242.3(PKP2):c.2434G>C (p.Ala812Pro)

Gene: PKP2 (plakophilin 2; minus strand). Cytogenetic location: 12p11.21.
Variant type: single nucleotide variant.
Coding change: c.2434G>C on transcript NM_001005242.3 (MANE Select); coding-DNA position 2434, G replaced by C.
Protein change: p.Ala812Pro; replaces alanine 812 with proline.
Molecular consequence: missense variant.
Genome position (GRCh38, 1-based): chr12:32,792,655, C>G on the plus strand (G>C on the coding strand, the complement: PKP2 is on the minus strand). VCF-style: chr12-32792655-C-G. GRCh37 (hg19) VCF-style: chr12-32945589-C-G.
Other names: c.2244G>C, p.Met748Ile (NM_001407155.1); c.2269G>C, p.Ala757Pro (NM_001407156.1); c.2107G>C, p.Ala703Pro (NM_001407158.1, NM_001407159.1); c.1917G>C, p.Met639Ile (NM_001407160.1); c.2566G>C, p.Ala856Pro (NM_004572.4); short protein forms A703P, A757P, A812P, A856P, M639I, M748I.
Identifiers: ClinVar variation 4529627 (VCV004529627.1).